The following is an entry in ClinVar:

NM_000179.3(MSH6):c.422dup (p.Trp142fs)

Gene: MSH6 (mutS homolog 6; plus strand). Cytogenetic location: 2p16.3.
Variant type: Duplication.
Coding change: c.422dup on transcript NM_000179.3 (MANE Select); coding-DNA position 422, one base duplicated (G; older notation c.422dupG).
Protein change: p.Trp142fs; shifts the reading frame from tryptophan 142.
Molecular consequence: frameshift variant. On other transcripts: 5 prime UTR variant (7), non-coding transcript variant (5), intron variant (6).
Genome position (GRCh38, 1-based): chr2:47,791,088, G duplicated; the last of 4 consecutive G bases (chr2:47,791,085-47,791,088); duplicating any one gives the same sequence. VCF-style (leftmost placement, unchanged base first): chr2-47791084-A-AG. GRCh37 (hg19) VCF-style: chr2-48018223-A-AG.
Other names: c.-315dup (NM_001281493.2, NM_001406811.1, NM_001406823.1 and 1 more transcripts); c.-481dup (NM_001281494.2); c.518dup, p.Trp174fs (NM_001406795.1, NM_001406802.1); c.422dup, p.Trp142fs (NM_001406796.1, NM_001406798.1, NM_001406800.1 and 6 more transcripts); c.125dup, p.Trp43fs (NM_001406797.1, NM_001406801.1, NM_001406805.1 and 10 more transcripts); c.344dup, p.Trp116fs (NM_001406804.1); c.-507dup (NM_001406807.1); c.-573dup (NM_001406814.1); and 5 more; short protein forms W174fs, W116fs, W43fs, W142fs, W86fs.
Identifiers: ClinVar variation 3723262 (VCV003723262.2).
Genomic context (GRCh38, chr2:47,791,084, plus strand): 5'-ATCCGCGAGAAAGGGAAATCAGTCCGTGTTCATGTACAGTTTTTTGATGACAGCCCAACA[A>AG]GGGGCTGGGTTAGCAAAAGGCTTTTAAAGCCATATACAGGTAAGAGTCACTACTGCCATG-3'

ClinVar aggregate classification (germline): Pathogenic (1 of 4 stars; one submission).

Conditions:
Hereditary nonpolyposis colorectal neoplasms. Identifiers: MedGen C0009405, MeSH D003123.

Submission:

Labcorp Genetics (formerly Invitae), Labcorp
Classification: Pathogenic for Hereditary nonpolyposis colorectal neoplasms. Last evaluated: 2024-10-19. Review status: criteria provided, single submitter. Criteria: Invitae Variant Classification Sherloc (09022015). Collection method: clinical testing. Allele origin: germline.
Comment: This sequence change creates a premature translational stop signal (p.Trp142Leufs*3) in the MSH6 gene. It is expected to result in an absent or disrupted protein product. Loss-of-function variants in MSH6 are known to be pathogenic (PMID: 18269114, 24362816). This variant is not present in population databases (gnomAD no frequency). This variant has not been reported in the literature in individuals affected with MSH6-related conditions. For these reasons, this variant has been classified as Pathogenic.

Literature cited by the submitters: PubMed 18269114; PubMed 24362816.